The following is an entry in ClinVar:

NM_001173467.3(SP7):c.916G>T (p.Gly306Cys)

Gene: SP7 (Sp7 transcription factor; minus strand). Cytogenetic location: 12q13.13.
Variant type: single nucleotide variant.
Coding change: c.916G>T on transcript NM_001173467.3 (MANE Select); coding-DNA position 916, G replaced by T.
Protein change: p.Gly306Cys; replaces glycine 306 with cysteine.
Molecular consequence: missense variant.
Genome position (GRCh38, 1-based): chr12:53,328,526, C>A on the plus strand (G>T on the coding strand, the complement: SP7 is on the minus strand). VCF-style: chr12-53328526-C-A. GRCh37 (hg19) VCF-style: chr12-53722310-C-A.
Other names: c.862G>T, p.Gly288Cys (NM_001300837.2); c.916G>T, p.Gly306Cys (NM_152860.2); short protein forms G288C, G306C.
Identifiers: ClinVar variation 4855601 (VCV004855601.1).

ClinVar aggregate classification (germline): Uncertain significance (1 of 4 stars; one submission).

Conditions:
Osteogenesis imperfecta type 12 (OI12). Also called: Osteogenesis imperfecta, type XII; OI, TYPE XII. Identifiers: Orphanet 666, MedGen C3151433, MONDO:0013460, OMIM 613849.

Submission:

3billion
Classification: Uncertain significance for Osteogenesis imperfecta type 12. Last evaluated: 2025-05-26. Review status: criteria provided, single submitter. Criteria: ACMG Guidelines, 2015. Collection method: clinical testing. Allele origin: germline. Affected: yes.
Comment: The variant is not observed in the gnomAD v4.1.0 dataset. Predicted Consequence/Location: Missense variant In silico tool predictions suggest no damaging effect of the variant on gene or gene product [REVEL: 0.27 (<0.4); 3Cnet: 0.00 (<0.1, specificity 0.84 and negative predicitive value 0.97)]. Therefore, this variant is classified as VUS according to the recommendation of ACMG/AMP guideline.